The following is an entry in ClinVar:

ClinVar aggregate classification (germline): Uncertain significance (1 of 4 stars; one submission).

Submission:

Labcorp Genetics (formerly Invitae), Labcorp
Classification: Uncertain significance. Last evaluated: 2023-01-08. Review status: criteria provided, single submitter. Criteria: Invitae Variant Classification Sherloc (09022015). Collection method: clinical testing. Allele origin: germline.
Comment: In summary, the available evidence is currently insufficient to determine the role of this variant in disease. Therefore, it has been classified as a Variant of Uncertain Significance. Algorithms developed to predict the effect of missense changes on protein structure and function (SIFT, PolyPhen-2, Align-GVGD) all suggest that this variant is likely to be tolerated. This variant has not been reported in the literature in individuals affected with IMPDH1-related conditions. This variant is not present in population databases (gnomAD no frequency). This sequence change replaces asparagine, which is neutral and polar, with lysine, which is basic and polar, at codon 187 of the IMPDH1 protein (p.Asn187Lys).

NM_000883.4(IMPDH1):c.561C>G (p.Asn187Lys)

Gene: IMPDH1 (inosine monophosphate dehydrogenase 1; minus strand). Cytogenetic location: 7q32.1.
Variant type: single nucleotide variant.
Coding change: c.561C>G on transcript NM_000883.4 (MANE Select); coding-DNA position 561, C replaced by G.
Protein change: p.Asn187Lys; replaces asparagine 187 with lysine.
Molecular consequence: missense variant. On other transcripts: intron variant (1).
Genome position (GRCh38, 1-based): chr7:128,400,835, G>C on the plus strand (C>G on the coding strand, the complement: IMPDH1 is on the minus strand). VCF-style: chr7-128400835-G-C. GRCh37 (hg19) VCF-style: chr7-128040889-G-C.
Other names: c.531C>G, p.Asn177Lys (NM_001102605.2); c.306C>G, p.Asn102Lys (NM_001142573.2, NM_001142574.2); c.462C>G, p.Asn154Lys (NM_001142576.2); c.354C>G, p.Asn118Lys (NM_001304521.2); c.453C>G, p.Asn151Lys (NM_183243.3); c.249+180C>G (NM_001142575.2); short protein forms N154K, N118K, N151K, N177K, N187K, N102K.
Identifiers: ClinVar variation 2827024 (VCV002827024.3), dbSNP rs1042250, ClinGen allele CA369174104.
Genomic context (GRCh38, chr7:128,400,835, plus strand): 5'-ACTGCCAGGTGGCATCTTGCTGGGGACAGGCCTGGTACTTGCCTTGACCTTCCGCACCTC[G>C]TTGGCCTGGAACTCTGGGGTGCAGTTGTGGTGAATGAAACCAATACCTCCCATCAGCTGA-3'
Protein context (NP_000874.2, residues 177-197): HHNCTPEFQA[Asn187Lys]EVRKVKKFEQ